The following is an entry in ClinVar:

NM_000271.5(NPC1):c.3591+2T>A

Gene: NPC1 (NPC intracellular cholesterol transporter 1; minus strand). Cytogenetic location: 18q11.2.
Variant type: single nucleotide variant.
Coding change: c.3591+2T>A on transcript NM_000271.5 (MANE Select); the canonical splice donor site of the intron after coding-DNA position 3591, T replaced by A.
Molecular consequence: splice donor variant.
Genome position (GRCh38, 1-based): chr18:23,534,444, A>T on the plus strand (T>A on the coding strand, the complement: NPC1 is on the minus strand). VCF-style: chr18-23534444-A-T. GRCh37 (hg19) VCF-style: chr18-21114408-A-T.
Identifiers: ClinVar variation 1453197 (VCV001453197.8), dbSNP rs1555631888, ClinGen allele CA401790855.

ClinVar aggregate classification (germline): Pathogenic (1 of 4 stars; one submission).

Conditions:
Niemann-Pick disease, type C1. Also called: NIEMANN-PICK DISEASE, VARIANT TYPE C1; NIEMANN-PICK DISEASE WITHOUT SPHINGOMYELINASE DEFICIENCY; NIEMANN-PICK DISEASE, CHRONIC NEURONOPATHIC FORM; NEUROVISCERAL STORAGE DISEASE WITH VERTICAL SUPRANUCLEAR OPHTHALMOPLEGIA; NIEMANN-PICK DISEASE WITH CHOLESTEROL ESTERIFICATION BLOCK. Identifiers: Orphanet 646, MedGen C3179455, MONDO:0009757, OMIM 257220.

Submission:

Labcorp Genetics (formerly Invitae), Labcorp
Classification: Pathogenic for Niemann-Pick disease, type C1. Last evaluated: 2023-08-04. Review status: criteria provided, single submitter. Criteria: Invitae Variant Classification Sherloc (09022015). Collection method: clinical testing. Allele origin: germline.
Comment: For these reasons, this variant has been classified as Pathogenic. Algorithms developed to predict the effect of sequence changes on RNA splicing suggest that this variant may disrupt the consensus splice site. ClinVar contains an entry for this variant (Variation ID: 1453197). Disruption of this splice site has been observed in individuals with Niemann-Pick type C (PMID: 11479732, 31296176). This variant is not present in population databases (gnomAD no frequency). This sequence change affects a donor splice site in intron 23 of the NPC1 gene. It is expected to disrupt RNA splicing. Variants that disrupt the donor or acceptor splice site typically lead to a loss of protein function (PMID: 16199547), and loss-of-function variants in NPC1 are known to be pathogenic (PMID: 9211850).

Literature cited by the submitters: PubMed 11479732; PubMed 31296176; PubMed 16199547; PubMed 9211850.